The following is an entry in ClinVar:

ClinVar aggregate classification (germline): Pathogenic/Likely pathogenic. Review status: criteria provided, multiple submitters, no conflicts (2 of 4 stars). 5 submissions from 5 submitters: Pathogenic (4); Likely pathogenic (1). Last evaluated 2025-11-21.

Conditions:
Dominant dystrophic epidermolysis bullosa with absence of skin. Also called: EPIDERMOLYSIS BULLOSA WITH CONGENITAL LOCALIZED ABSENCE OF SKIN AND DEFORMITY OF NAILS; EPIDERMOLYSIS BULLOSA DYSTROPHICA, BART TYPE. Identifiers: MedGen C0268371, MONDO:0007557, OMIM 132000.
Nonsyndromic congenital nail disorder 8. Also called: TOENAIL DYSTROPHY, ISOLATED. Identifiers: MedGen C1843761, MONDO:0011852, OMIM 607523.
Generalized dominant dystrophic epidermolysis bullosa (DDEB). Also called: DDEB, generalized; DDEB-gen; DYSTROPHIC EPIDERMOLYSIS BULLOSA, AUTOSOMAL DOMINANT; Epidermolysis bullosa dystrophica, autosomal dominant; Dominant DEB (DDEB). Identifiers: Orphanet 231568, MedGen C0432322, MONDO:0007549, OMIM 131750.
Recessive dystrophic epidermolysis bullosa (RDEB). Also called: severe generalized recessive dystrophic epidermolysis bullosa; EPIDERMOLYSIS BULLOSA DYSTROPHICA, GENERALIZED SEVERE, AUTOSOMAL RECESSIVE; DYSTROPHIC EPIDERMOLYSIS BULLOSA, AUTOSOMAL RECESSIVE; EPIDERMOLYSIS BULLOSA DYSTROPHICA, HALLOPEAU-SIEMENS TYPE; epidermolysis bullosa dystrophica, autosomal recessive; Epidermolysis Bullosa Distrophica Autosomal Recessive (RDEB). Identifiers: Orphanet 79408, Orphanet 79409, MedGen C0079474, MONDO:0009179, OMIM 226600.
Epidermolysis bullosa pruriginosa. Also called: DEB, PRURIGINOSA; DYSTROPHIC EPIDERMOLYSIS BULLOSA PRURIGINOSA. Identifiers: Orphanet 89843, MedGen C1275114, MONDO:0011398, OMIM 604129.
Pretibial dystrophic epidermolysis bullosa. Also called: EPIDERMOLYSIS BULLOSA DYSTROPHICA, PRETIBIAL; Pretibial blistering; Pretibial epidermolysis bullosa. Identifiers: Orphanet 79410, MedGen C0432321, MONDO:0007552, OMIM 131850, HP:0012221.
Transient bullous dermolysis of the newborn (TBDN). Also called: DYSTROPHIC EPIDERMOLYSIS BULLOSA, NEONATAL; EPIDERMOLYSIS BULLOSA DYSTROPHICA, NEONATAL FORM. Identifiers: Orphanet 79411, MedGen C1851573, MONDO:0007548, OMIM 131705.
Epidermolysis bullosa dystrophica. Also called: Dystrophic epidermolysis bullosa, Hallopeau-Siemens type (formerly); Dystrophic epidermolysis bullosa. Identifiers: Orphanet 303, MedGen C0079294, MONDO:0006543.

gnomAD v4.1: 2 of 1,613,044 alleles (0.00012%); highest among the groups gnomAD compares: Admixed American, 0.0017%; no homozygotes.

Submissions (5):

3billion
Classification: Pathogenic for Recessive dystrophic epidermolysis bullosa. Last evaluated: 2025-11-21. Review status: criteria provided, single submitter. Criteria: ACMG Guidelines, 2015. Collection method: clinical testing. Allele origin: germline. Affected: yes.
Comment: The variant is observed at an extremely low frequency in the gnomAD v4.1.0 dataset (total allele frequency: <0.001%). Predicted Consequence/Location: Stop-gained (nonsense): predicted to result in a loss or disruption of normal protein function through nonsense-mediated decay (NMD) or protein truncation. Multiple pathogenic variants are reported downstream of the variant. The variant has been reported at least twice as pathogenic with clinical assertions and evidence for the classification (ClinVar ID: VCV000620133 /PMID: 19665875). Therefore, this variant is classified as Pathogenic according to the recommendation of ACMG/AMP guideline.

Labcorp Genetics (formerly Invitae), Labcorp
Classification: Pathogenic. Last evaluated: 2024-11-06. Review status: criteria provided, single submitter. Criteria: Invitae Variant Classification Sherloc (09022015). Collection method: clinical testing. Allele origin: germline.
Comment: This sequence change creates a premature translational stop signal (p.Trp900*) in the COL7A1 gene. It is expected to result in an absent or disrupted protein product. Loss-of-function variants in COL7A1 are known to be pathogenic (PMID: 16971478). The frequency data for this variant in the population databases is considered unreliable, as metrics indicate poor data quality at this position in the gnomAD database. This premature translational stop signal has been observed in individual(s) with COL7A1-related conditions (PMID: 19665875, 21448560). ClinVar contains an entry for this variant (Variation ID: 620133). For these reasons, this variant has been classified as Pathogenic.

Natera, Inc.
Classification: Likely pathogenic for Dystrophic epidermolysis bullosa. Last evaluated: 2024-09-17. Review status: criteria provided, single submitter. Criteria: Natera Variant Classification Schema (03/2026). Collection method: clinical testing. Allele origin: germline.
Comment: The c.2699G>A variant in COL7A1 is a nonsense variant predicted to introduce a stop codon at amino acid 900. This variant is expected to result in nonsense mediated decay, truncation, or a dysfunctional protein product. This variant is rare in the general population with a frequency below the threshold expected for the associated phenotype(s). Given the available evidence, this variant is classified as Likely Pathogenic.

Fulgent Genetics
Classification: Pathogenic for Transient bullous dermolysis of the newborn; Generalized dominant dystrophic epidermolysis bullosa; Pretibial dystrophic epidermolysis bullosa; Dominant dystrophic epidermolysis bullosa with absence of skin; Recessive dystrophic epidermolysis bullosa; Epidermolysis bullosa pruriginosa; Nonsyndromic congenital nail disorder 8. Last evaluated: 2024-05-17. Review status: criteria provided, single submitter. Criteria: ACMG Guidelines, 2015. Collection method: clinical testing. Allele origin: germline.

GeneDx
Classification: Pathogenic. Last evaluated: 2018-11-09. Review status: criteria provided, single submitter. Criteria: GeneDx Variant Classification (06012015). Collection method: clinical testing. Allele origin: germline. Affected: yes.
Comment: The W900X variant in the COL7A1 gene has been reported previously along with a second COL7A1 variant in a patient with autosomal recessive dystrophic epidermolysis bullosa (van den Akker et al., 2009). This variant is predicted to cause loss of normal protein function either through protein truncation or nonsense-mediated mRNA decay. The W900X variant is not observed at a significant frequency in large population cohorts (Lek et al., 2016). We interpret W900X as a pathogenic variant.

Literature cited by the submitters: PubMed 19665875 (cited by 3billion and Labcorp Genetics (formerly Invitae), Labcorp); PubMed 16971478 (cited by Labcorp Genetics (formerly Invitae), Labcorp); PubMed 21448560 (cited by Labcorp Genetics (formerly Invitae), Labcorp).

NM_000094.4(COL7A1):c.2699G>A (p.Trp900Ter)

Gene: COL7A1 (collagen type VII alpha 1 chain; minus strand). Cytogenetic location: 3p21.31.
Variant type: single nucleotide variant.
Coding change: c.2699G>A on transcript NM_000094.4 (MANE Select); coding-DNA position 2699, G replaced by A.
Protein change: p.Trp900Ter; replaces tryptophan 900 with a stop codon.
Molecular consequence: nonsense.
Genome position (GRCh38, 1-based): chr3:48,588,293, C>T on the plus strand (G>A on the coding strand, the complement: COL7A1 is on the minus strand). VCF-style: chr3-48588293-C-T. GRCh37 (hg19) VCF-style: chr3-48625726-C-T.
Other names: short protein forms W900*.
Identifiers: ClinVar variation 620133 (VCV000620133.9), dbSNP rs1349541188, ClinGen allele CA352717019.